The following is an entry in ClinVar:

ClinVar aggregate classification (germline): Uncertain significance (1 of 4 stars; one submission).

Conditions:
FG syndrome (FGS). Identifiers: MedGen C0220769, MONDO:0002010.

Submission:

Labcorp Genetics (formerly Invitae), Labcorp
Classification: Uncertain significance for FG syndrome. Last evaluated: 2025-02-18. Review status: criteria provided, single submitter. Criteria: Invitae Variant Classification Sherloc (09022015). Collection method: clinical testing. Allele origin: germline.
Comment: This sequence change replaces glutamine, which is neutral and polar, with histidine, which is basic and polar, at codon 1322 of the MED12 protein (p.Gln1322His). This variant is not present in population databases (gnomAD no frequency). This variant has not been reported in the literature in individuals affected with MED12-related conditions. Invitae Evidence Modeling of protein sequence and biophysical properties (such as structural, functional, and spatial information, amino acid conservation, physicochemical variation, residue mobility, and thermodynamic stability) indicates that this missense variant is not expected to disrupt MED12 protein function with a negative predictive value of 95%. In summary, the available evidence is currently insufficient to determine the role of this variant in disease. Therefore, it has been classified as a Variant of Uncertain Significance.

NM_005120.3(MED12):c.3966G>T (p.Gln1322His)

Gene: MED12 (mediator complex subunit 12; plus strand). Cytogenetic location: Xq13.1.
Variant type: single nucleotide variant.
Coding change: c.3966G>T on transcript NM_005120.3 (MANE Select); coding-DNA position 3966, G replaced by T.
Protein change: p.Gln1322His; replaces glutamine 1322 with histidine.
Molecular consequence: missense variant.
Genome position (GRCh38, 1-based): chrX:71,130,133, G>T. VCF-style: chrX-71130133-G-T. GRCh37 (hg19) VCF-style: chrX-70349983-G-T.
Other names: short protein forms Q1322H.
Identifiers: ClinVar variation 4801074 (VCV004801074.1).